The following is an entry in ClinVar:

NC_000008.10:g.(113392686_113395795)_(113702280_113812390)del

Gene: CSMD3 (CUB and Sushi multiple domains 3; minus strand). Cytogenetic location: 8q23.3.
Variant type: Deletion.
Identifiers: ClinVar variation 4887130 (VCV004887130.1).

ClinVar aggregate classification (germline): Uncertain significance (1 of 4 stars; one submission).

Submission:

Women's Health and Genetics/Laboratory Corporation of America, LabCorp
Classification: Uncertain significance. Last evaluated: 2026-06-18. Review status: criteria provided, single submitter. Criteria: LabCorp Variant Classification Summary - May 2015. Collection method: clinical testing. Allele origin: germline.
Comment: Variant summary: The variant involves the deletion of exons 14-37 in the CSMD3 gene. A presumed nomenclature of c.(1972+1_1973-1)_(6031+1_6032-1)del has been designated for the purposes of this classification. Current evidence is not sufficient to establish loss of function as a mechanism for disease. This Copy Number Variant (CNV) is predicted to result in an in-frame deletion within this gene. The variant was absent in 21694 control chromosomes in the gnomAD database (Structural Variants v2.1 dataset). The available data on variant occurrences in the general population are insufficient to allow any conclusion about variant significance. To our knowledge, no occurrence of c.(1972+1_1973-1)_(6031+1_6032-1)del in individuals affected with CSMD3-related conditions and no experimental evidence demonstrating its impact on protein function have been reported. No submitters have cited clinical significance assessments for this variant in ClinVar. Based on the evidence outlined above, the variant was classified as uncertain significance.